The following is an entry in ClinVar:

ClinVar aggregate classification (germline): Uncertain significance. Review status: criteria provided, multiple submitters, no conflicts (2 of 4 stars). 2 submissions from 2 submitters: Uncertain significance (2). Last evaluated 2025-03-19.

Conditions:
Arrhythmogenic right ventricular dysplasia 11. Also called: Arrhythmogenic Right Ventricular Dysplasia/Cardiomyopathy11; ARRHYTHMOGENIC RIGHT VENTRICULAR DYSPLASIA, FAMILIAL, 11; Arrhythmogenic right ventricular dysplasia 11 with mild palmoplantar keratoderma and woolly hair. Identifiers: MedGen C1864850, MONDO:0012506, OMIM 610476.
Cardiomyopathy (CMYO). Also called: Cardiomyopathies. Identifiers: Orphanet 167848, MedGen C0878544, MONDO:0004994, HP:0001638. Inheritance: Various modes of inheritance.

Allele frequency attached by ClinVar (database versions not stated): gnomAD exomes below 0.00001 and 0.00001.
gnomAD v4.1: 3 of 1,613,956 alleles (0.00019%); highest among the groups gnomAD compares: Non-Finnish European, 0.00025%; no homozygotes.

Submissions (2):

Labcorp Genetics (formerly Invitae), Labcorp
Classification: Uncertain significance for Arrhythmogenic right ventricular dysplasia 11. Last evaluated: 2025-03-19. Review status: criteria provided, single submitter. Criteria: Invitae Variant Classification Sherloc (09022015). Collection method: clinical testing. Allele origin: germline.
Comment: This sequence change replaces lysine, which is basic and polar, with glutamic acid, which is acidic and polar, at codon 579 of the DSC2 protein (p.Lys579Glu). This variant is present in population databases (no rsID available, gnomAD 0.0009%). This variant has not been reported in the literature in individuals affected with DSC2-related conditions. ClinVar contains an entry for this variant (Variation ID: 1171081). Invitae Evidence Modeling of protein sequence and biophysical properties (such as structural, functional, and spatial information, amino acid conservation, physicochemical variation, residue mobility, and thermodynamic stability) indicates that this missense variant is not expected to disrupt DSC2 protein function with a negative predictive value of 80%. In summary, the available evidence is currently insufficient to determine the role of this variant in disease. Therefore, it has been classified as a Variant of Uncertain Significance.

Color Diagnostics, LLC DBA Color Health
Classification: Uncertain significance for Cardiomyopathy. Last evaluated: 2024-03-06. Review status: criteria provided, single submitter. Criteria: ACMG Guidelines, 2015. Collection method: clinical testing. Allele origin: germline.
Comment: This missense variant replaces lysine with glutamic acid at codon 579 of the DSC2 protein. Computational prediction suggests that this variant may not impact protein structure and function (internally defined REVEL score threshold <= 0.5, PMID: 27666373). To our knowledge, functional studies have not been reported for this variant. This variant has not been reported in individuals affected with cardiovascular disorders in the literature. This variant has been identified in 1/251056 chromosomes in the general population by the Genome Aggregation Database (gnomAD). The available evidence is insufficient to determine the role of this variant in disease conclusively. Therefore, this variant is classified as a Variant of Uncertain Significance.

NM_024422.6(DSC2):c.1735A>G (p.Lys579Glu)

Gene: DSC2 (desmocollin 2; minus strand). Cytogenetic location: 18q12.1.
Variant type: single nucleotide variant.
Coding change: c.1735A>G on transcript NM_024422.6 (MANE Select); coding-DNA position 1735, A replaced by G.
Protein change: p.Lys579Glu; replaces lysine 579 with glutamic acid.
Molecular consequence: missense variant.
Genome position (GRCh38, 1-based): chr18:31,074,836, T>C on the plus strand (A>G on the coding strand, the complement: DSC2 is on the minus strand). VCF-style: chr18-31074836-T-C. GRCh37 (hg19) VCF-style: chr18-28654802-T-C.
Other names: c.1735A>G, p.Lys579Glu (NM_004949.5); short protein forms K579E.
Identifiers: ClinVar variation 1171081 (VCV001171081.5), dbSNP rs1358638028, ClinGen allele CA402114231.